The following is an entry in ClinVar:

ClinVar aggregate classification (germline): Pathogenic (1 of 4 stars; one submission).

Submission:

GeneDx
Classification: Pathogenic. Last evaluated: 2019-02-22. Review status: criteria provided, single submitter. Criteria: GeneDx Variant Classification (06012015). Collection method: clinical testing. Allele origin: germline. Affected: yes.
Comment: The c.1941_1948delGCCTCCAG variant in the MED13L gene has not been reported previously as a pathogenic variant nor as a benign variant, to our knowledge. The c.1941_1948delGCCTCCAG variant causes a frameshift starting with codon Proline 648, changes this amino acid to a Alanine residue, and creates a premature Stop codon at position 4 of the new reading frame, denoted p.Pro648AlafsX4. This variant is predicted to cause loss of normal protein function either through protein truncation or nonsense-mediated mRNA decay. The c.1941_1948delGCCTCCAG variant is not observed in large population cohorts (Lek et al., 2016). We interpret c.1941_1948delGCCTCCAG as a pathogenic variant.

NM_015335.5(MED13L):c.1941_1948del (p.Pro648fs)

Gene: MED13L (mediator complex subunit 13L; minus strand). Cytogenetic location: 12q24.21.
Variant type: Deletion.
Coding change: c.1941_1948del on transcript NM_015335.5 (MANE Select); coding-DNA positions 1941 to 1948, 8 bases deleted (GCCTCCAG; older notation c.1941_1948delGCCTCCAG).
Protein change: p.Pro648fs; shifts the reading frame from proline 648.
Molecular consequence: frameshift variant.
Genome position (GRCh38, 1-based): chr12:116,008,465-116,008,472, CTGGAGGC deleted on the plus strand (GCCTCCAG on the coding strand, the reverse complement: MED13L is on the minus strand); deleting any 8 consecutive bases within chr12:116,008,465-116,008,475 gives the same sequence; the c. name uses the placement nearest the transcript's 3' end. VCF-style (leftmost placement, unchanged base first): chr12-116008464-TCTGGAGGC-T. GRCh37 (hg19) VCF-style: chr12-116446269-TCTGGAGGC-T.
Other names: short protein forms P648fs.
Identifiers: ClinVar variation 817457 (VCV000817457.1), dbSNP rs1592941857, ClinGen allele CA915946711.